The following is an entry in ClinVar:

NM_018075.5(ANO10):c.1293+1G>C

Gene: ANO10 (anoctamin 10; minus strand). Cytogenetic location: 3p22.1.
Variant type: single nucleotide variant.
Coding change: c.1293+1G>C on transcript NM_018075.5 (MANE Select); the canonical splice donor site of the intron after coding-DNA position 1293, G replaced by C.
Molecular consequence: splice donor variant.
Genome position (GRCh38, 1-based): chr3:43,565,652, C>G on the plus strand (G>C on the coding strand, the complement: ANO10 is on the minus strand). VCF-style: chr3-43565652-C-G. GRCh37 (hg19) VCF-style: chr3-43607144-C-G.
Other names: c.1095+1G>C (NM_001346469.2, NM_001204832.3, NM_001346466.2); c.1293+1G>C (NM_001346468.2, NM_001346465.2, NM_001204831.3 and 3 more transcripts); c.960+1G>C (NM_001204833.3); c.723+1G>C (NM_001204834.3).
Identifiers: ClinVar variation 5004174 (VCV005004174.1).

ClinVar aggregate classification (germline): Likely pathogenic (1 of 4 stars; one submission).

Conditions:
Autosomal recessive spinocerebellar ataxia 10. Identifiers: Orphanet 284289, MedGen C3150998, MONDO:0013392, OMIM 613728.

Submission:

Myriad Genetics, Inc.
Classification: Likely pathogenic for Autosomal recessive spinocerebellar ataxia 10. Last evaluated: 2025-09-17. Review status: criteria provided, single submitter. Criteria: Myriad Autosomal Dominant, Autosomal Recessive and X-Linked Classification Criteria (2023). Collection method: clinical testing. Allele origin: unknown.
Comment: NM_018075.3(ANO10):c.1293+1G>C is a variant in a canonical splice site classified as likely pathogenic in the context of spinocerebellar ataxia, ANO10-related. c.1293+1G>C has not been observed in cases with relevant disease. Relevant functional assessments of this variant are not available in the literature. c.1293+1G>C has not been observed in referenced population frequency databases. In summary, NM_018075.3(ANO10):c.1293+1G>C is a variant in a canonical splice site in a gene where loss of function is a known mechanism of disease and is predicted to disrupt protein function. Please note: this variant was assessed in the context of healthy population screening.